The following is an entry in ClinVar:

ClinVar aggregate classification (germline): Uncertain significance (1 of 4 stars; one submission).

Conditions:
Hereditary cancer-predisposing syndrome. Also called: Neoplastic Syndromes, Hereditary; Hereditary Cancer Syndrome; Hereditary neoplastic syndrome; Tumor predisposition. Identifiers: Orphanet 140162, MedGen C0027672, MeSH D009386, MONDO:0015356.

Allele frequency attached by ClinVar (database versions not stated): gnomAD exomes below 0.00001.
gnomAD v4.1: 2 of 1,614,100 alleles (0.00012%); highest among the groups gnomAD compares: Non-Finnish European, 0.00017%; no homozygotes.

Submission:

Ambry Genetics
Classification: Uncertain significance for Hereditary cancer-predisposing syndrome. Last evaluated: 2023-05-19. Review status: criteria provided, single submitter. Criteria: Ambry Variant Classification Scheme 2023. Collection method: clinical testing. Allele origin: germline.
Comment: The p.A840S variant (also known as c.2518G>T), located in coding exon 22 of the POLE gene, results from a G to T substitution at nucleotide position 2518. The alanine at codon 840 is replaced by serine, an amino acid with similar properties. This amino acid position is conserved. In addition, this alteration is predicted to be tolerated by in silico analysis. Since supporting evidence is limited at this time, the clinical significance of this alteration remains unclear.

NM_006231.4(POLE):c.2518G>T (p.Ala840Ser)

Gene: POLE (DNA polymerase epsilon, catalytic subunit; minus strand). Cytogenetic location: 12q24.33.
Variant type: single nucleotide variant.
Coding change: c.2518G>T on transcript NM_006231.4 (MANE Select); coding-DNA position 2518, G replaced by T.
Protein change: p.Ala840Ser; replaces alanine 840 with serine.
Molecular consequence: missense variant.
Genome position (GRCh38, 1-based): chr12:132,664,413, C>A on the plus strand (G>T on the coding strand, the complement: POLE is on the minus strand). VCF-style: chr12-132664413-C-A. GRCh37 (hg19) VCF-style: chr12-133240999-C-A.
Other names: short protein forms A840S.
Identifiers: ClinVar variation 2562940 (VCV002562940.2), dbSNP rs2135958250, ClinGen allele CA387396405.